The following is an entry in ClinVar:

NM_020745.4(AARS2):c.845C>G (p.Ser282Cys)

Gene: AARS2 (alanyl-tRNA synthetase 2, mitochondrial; minus strand). Cytogenetic location: 6p21.1.
Variant type: single nucleotide variant.
Coding change: c.845C>G on transcript NM_020745.4 (MANE Select); coding-DNA position 845, C replaced by G.
Protein change: p.Ser282Cys; replaces serine 282 with cysteine.
Molecular consequence: missense variant.
Genome position (GRCh38, 1-based): chr6:44,310,348, G>C on the plus strand (C>G on the coding strand, the complement: AARS2 is on the minus strand). VCF-style: chr6-44310348-G-C. GRCh37 (hg19) VCF-style: chr6-44278085-G-C.
Other names: short protein forms S282C.
Identifiers: ClinVar variation 1064700 (VCV001064700.4), dbSNP rs2153356880, ClinGen allele CA364340532.

ClinVar aggregate classification (germline): Pathogenic (0 of 4 stars; one submission).

Conditions:
Combined oxidative phosphorylation defect type 8. Also called: CARDIOMYOPATHY, HYPERTROPHIC MITOCHONDRIAL, FATAL INFANTILE. Identifiers: Orphanet 319504, MedGen C4518839, MONDO:0013570, OMIM 614096.

Submission:

Istanbul Faculty of Medicine, Istanbul University
Classification: Pathogenic for Combined oxidative phosphorylation defect type 8. Last evaluated: 2020-12-25. Review status: no assertion criteria provided. Collection method: clinical testing. Allele origin: germline. Affected: yes. Observed: 1 variant allele.

Literature cited by the submitters: PubMed 37377599.